The following is an entry in ClinVar:

NM_000090.4(COL3A1):c.1608+141A>G

Gene: COL3A1 (collagen type III alpha 1 chain; plus strand). Cytogenetic location: 2q32.2.
Variant type: single nucleotide variant.
Coding change: c.1608+141A>G on transcript NM_000090.4 (MANE Select); 141 bases into the intron after coding-DNA position 1608, A replaced by G.
Molecular consequence: intron variant.
Genome position (GRCh38, 1-based): chr2:188,995,931, A>G. VCF-style: chr2-188995931-A-G. GRCh37 (hg19) VCF-style: chr2-189860657-A-G.
Identifiers: ClinVar variation 675297 (VCV000675297.2), dbSNP rs13306268, ClinGen allele CA62597079.
Genomic context (GRCh38, chr2:188,995,931, plus strand): 5'-CTTAAATCAATCAGATTACATATTTTGTAAGGCACCAAACAAAACAAAATTCTTTTAAGT[A>G]AACTTAAGCCGAGATAGTTCAAGGAGAAGAGAAGATAGAACACTTGCCTTAGATACTTTA-3'

ClinVar aggregate classification (germline): Benign. Review status: criteria provided, multiple submitters, no conflicts (2 of 4 stars). 2 submissions from 2 submitters: Benign (2). Last evaluated 2018-06-14.

Allele frequency attached by ClinVar (database versions not stated): gnomAD exomes 0.03059; gnomAD 0.09843 and 0.10245; TOPMed 0.10888; 1000 Genomes Project 0.13099; 1000 Genomes Project 30x 0.13367.
gnomAD v4.1: 39,956 of 950,582 alleles (4.2%); highest among the groups gnomAD compares: African/African-American, 28%; 2,735 homozygotes.

Submissions (2):

GeneDx
Classification: Benign. Last evaluated: 2018-06-14. Review status: criteria provided, single submitter. Criteria: GeneDx Variant Classification (06012015). Collection method: clinical testing. Allele origin: germline. Affected: yes.
Comment: This variant is considered likely benign or benign based on one or more of the following criteria: it is a conservative change, it occurs at a poorly conserved position in the protein, it is predicted to be benign by multiple in silico algorithms, and/or has population frequency not consistent with disease.

Breakthrough Genomics
Classification: Benign. Review status: criteria provided, single submitter. Criteria: ACMG Guidelines, 2015. Collection method: not provided. Allele origin: germline. Inheritance: Autosomal recessive inheritance. Affected: yes.